The following is an entry in ClinVar:

ClinVar aggregate classification (germline): Likely benign (0 of 4 stars; one submission).

Conditions:
ADAM10-related disorder. Also called: ADAM10-related condition.

Allele frequency attached by ClinVar (database versions not stated): gnomAD exomes 0.00001; gnomAD 0.00003; TOPMed 0.00003; ExAC 0.00006.
gnomAD v4.1: 51 of 1,613,024 alleles (0.0032%); highest among the groups gnomAD compares: East Asian, 0.038%; no homozygotes.

Submission:

PreventionGenetics, part of Exact Sciences
Classification: Likely benign for ADAM10-related condition. Last evaluated: 2019-03-01. Review status: no assertion criteria provided. Collection method: clinical testing. Allele origin: germline.
Comment: This variant is classified as likely benign based on ACMG/AMP sequence variant interpretation guidelines (Richards et al. 2015 PMID: 25741868, with internal and published modifications).

NM_001110.4(ADAM10):c.282A>T (p.Val94=)

Gene: ADAM10 (ADAM metallopeptidase domain 10; minus strand). Cytogenetic location: 15q21.3.
Variant type: single nucleotide variant.
Coding change: c.282A>T on transcript NM_001110.4 (MANE Select); coding-DNA position 282, A replaced by T.
Protein change: p.Val94=; no amino-acid change (valine 94 retained).
Molecular consequence: synonymous variant.
Genome position (GRCh38, 1-based): chr15:58,682,239, T>A on the plus strand (A>T on the coding strand, the complement: ADAM10 is on the minus strand). VCF-style: chr15-58682239-T-A. GRCh37 (hg19) VCF-style: chr15-58974438-T-A.
Other names: c.282A>T, p.Val94= (NM_001320570.2).
Identifiers: ClinVar variation 3058772 (VCV003058772.2), dbSNP rs201590398, ClinGen allele CA7585773.
Genomic context (GRCh38, chr15:58,682,239, plus strand): 5'-GTTAAGGTCCAACTTACCATAAATATGTCCAGTGTAAATATGAGAGGTATCATAATCAAG[T>A]ACTTTATTTGATGTTTCTACTTTAAATTCATCACTGAAAAGGGAAGTGTCCCTCTTCATT-3'
Protein context (NP_001101.1, residues 84-104): DEFKVETSNK[Val94=]LDYDTSHIYT